The following is an entry in ClinVar:

NM_198271.5(LMOD3):c.797T>C (p.Ile266Thr)

Gene: LMOD3 (leiomodin 3; minus strand). Cytogenetic location: 3p14.1.
Variant type: single nucleotide variant.
Coding change: c.797T>C on transcript NM_198271.5 (MANE Select); coding-DNA position 797, T replaced by C.
Protein change: p.Ile266Thr; replaces isoleucine 266 with threonine.
Molecular consequence: missense variant.
Genome position (GRCh38, 1-based): chr3:69,119,558, A>G on the plus strand (T>C on the coding strand, the complement: LMOD3 is on the minus strand). VCF-style: chr3-69119558-A-G. GRCh37 (hg19) VCF-style: chr3-69168709-A-G.
Other names: c.797T>C, p.Ile266Thr (NM_001304418.3); short protein forms I266T.
Identifiers: ClinVar variation 1360810 (VCV001360810.8), dbSNP rs545644080, ClinGen allele CA2488920.

ClinVar aggregate classification (germline): Uncertain significance (1 of 4 stars; one submission).

Conditions:
Nemaline myopathy 10 (NEM10). Identifiers: MedGen C4015360, MONDO:0014513, OMIM 616165.

Allele frequency attached by ClinVar (database versions not stated): gnomAD exomes below 0.00001 and 0.00002; gnomAD 0.00002; ExAC 0.00003; 1000 Genomes Project 30x 0.00047; 1000 Genomes Project 0.00060.
gnomAD v4.1: 4 of 1,613,784 alleles (0.00025%); highest among the groups gnomAD compares: East Asian, 0.0089%; no homozygotes.

Submission:

Labcorp Genetics (formerly Invitae), Labcorp
Classification: Uncertain significance for Nemaline myopathy 10. Last evaluated: 2021-05-31. Review status: criteria provided, single submitter. Criteria: Invitae Variant Classification Sherloc (09022015). Collection method: clinical testing. Allele origin: germline.
Comment: In summary, the available evidence is currently insufficient to determine the role of this variant in disease. Therefore, it has been classified as a Variant of Uncertain Significance. Algorithms developed to predict the effect of missense changes on protein structure and function (SIFT, PolyPhen-2, Align-GVGD) all suggest that this variant is likely to be disruptive, but these predictions have not been confirmed by published functional studies and their clinical significance is uncertain. This variant has not been reported in the literature in individuals with LMOD3-related conditions. This variant is present in population databases (rs545644080, ExAC 0.05%). This sequence change replaces isoleucine with threonine at codon 266 of the LMOD3 protein (p.Ile266Thr). The isoleucine residue is highly conserved and there is a moderate physicochemical difference between isoleucine and threonine.